The following is an entry in ClinVar:

ClinVar aggregate classification (germline): Likely benign. Review status: criteria provided, multiple submitters, no conflicts (2 of 4 stars). 3 submissions from 3 submitters: Likely benign (3). Last evaluated 2025-05-23.

Conditions:
PRPF31-related disorder. Also called: PRPF31-related condition.

Allele frequency attached by ClinVar (database versions not stated): gnomAD exomes 0.00017 and 0.00016; 1000 Genomes Project 0.00020; gnomAD 0.00020 and 0.00021; 1000 Genomes Project 30x 0.00031; ESP Exome Variant Server 0.00032; ExAC 0.00041; TOPMed 0.00015.
gnomAD v4.1: 256 of 1,568,508 alleles (0.016%); highest among the groups gnomAD compares: Middle Eastern, 0.022%; no homozygotes.

Submissions (3):

Labcorp Genetics (formerly Invitae), Labcorp
Classification: Likely benign. Last evaluated: 2025-05-23. Review status: criteria provided, single submitter. Criteria: Invitae Variant Classification Sherloc (09022015). Collection method: clinical testing. Allele origin: germline.

PreventionGenetics, part of Exact Sciences
Classification: Likely benign for PRPF31-related condition. Last evaluated: 2025-03-20. Review status: criteria provided, single submitter. Criteria: ACMG Guidelines, 2015. Collection method: clinical testing. Allele origin: germline.
Comment: This variant is classified as likely benign based on ACMG/AMP sequence variant interpretation guidelines (Richards et al. 2015 PMID: 25741868, with internal and published modifications).

Blueprint Genetics
Classification: Likely benign. Last evaluated: 2024-09-12. Review status: criteria provided, single submitter. Criteria: ACMG Guidelines, 2015. Collection method: clinical testing. Allele origin: germline.

NM_015629.4(PRPF31):c.1073+20C>T

Gene: PRPF31 (pre-mRNA processing factor 31; plus strand). Cytogenetic location: 19q13.42.
Variant type: single nucleotide variant.
Coding change: c.1073+20C>T on transcript NM_015629.4 (MANE Select); 20 bases into the intron after coding-DNA position 1073, C replaced by T.
Molecular consequence: intron variant.
Genome position (GRCh38, 1-based): chr19:54,128,220, C>T. VCF-style: chr19-54128220-C-T. GRCh37 (hg19) VCF-style: chr19-54631595-C-T.
Other names: c.1073+20C>T (NM_015629.3).
Identifiers: ClinVar variation 1631740 (VCV001631740.10), dbSNP rs374989926, ClinGen allele CA309329382.